The following is an entry in ClinVar:

NM_003982.4(SLC7A7):c.272C>A (p.Ala91Glu)

Gene: SLC7A7 (solute carrier family 7 member 7; minus strand). Cytogenetic location: 14q11.2.
Variant type: single nucleotide variant.
Coding change: c.272C>A on transcript NM_003982.4 (MANE Select); coding-DNA position 272, C replaced by A.
Protein change: p.Ala91Glu; replaces alanine 91 with glutamic acid.
Molecular consequence: missense variant.
Genome position (GRCh38, 1-based): chr14:22,813,127, G>T on the plus strand (C>A on the coding strand, the complement: SLC7A7 is on the minus strand). VCF-style: chr14-22813127-G-T. GRCh37 (hg19) VCF-style: chr14-23282336-G-T.
Other names: p.Ala91Glu; c.272C>A, p.Ala91Glu (NM_001126105.3, NM_001126106.4); short protein forms A91E.
Identifiers: ClinVar variation 970765 (VCV000970765.13), dbSNP rs11568438, ClinGen allele CA388922377.
Genomic context (GRCh38, chr14:22,813,127, plus strand): 5'-AAGGCCTCCAGGATATAGGCATAGCTGGCCCCAGATTTCTTAATGGTGGTGCCCAGTTCC[G>T]CATAACAAAGGGCCCCAAAGACGGAGAAGAGGCCCCCGACAGCCCAGATGACCAGAGAGA-3'
Protein context (NP_003973.3, residues 81-101): LFSVFGALCY[Ala91Glu]ELGTTIKKSG

ClinVar aggregate classification (germline): Uncertain significance. Review status: criteria provided, multiple submitters, no conflicts (2 of 4 stars). 4 submissions from 4 submitters: Uncertain significance (3). 1 of the submissions does not count toward it. Last evaluated 2025-12-03.

Conditions:
Lysinuric protein intolerance (LPI). Identifiers: Orphanet 470, MedGen C0268647, MONDO:0009109, OMIM 222700.

gnomAD v4.1: 15 of 1,613,992 alleles (0.00093%); highest among the groups gnomAD compares: Middle Eastern, 0.016%; no homozygotes.

Submissions (4):

Department of Molecular Genetics, Istishari Arab Hospital
Classification: Uncertain significance for Lysinuric protein intolerance. Last evaluated: 2025-12-03. Review status: criteria provided, single submitter. Criteria: ACMG Guidelines, 2015. Collection method: clinical testing. Allele origin: germline. Inheritance: Autosomal recessive inheritance. Affected: yes.
Comment: The SLC7A7 variant c.272C>A, p.Ala91Glu creates an amino acid change from Ala to Glu at position 91. This variant was observed at an extremely low frequency in the gnomAD (v.4.1.0) database. This variant was not previously reported in the literature. It is classified as a variant of uncertain significance according to the recommendations of ACMG/AMP/ClinGen SVI guidelines.

3billion
Classification: Uncertain significance for Lysinuric protein intolerance. Last evaluated: 2025-08-26. Review status: criteria provided, single submitter. Criteria: ACMG Guidelines, 2015. Collection method: clinical testing. Allele origin: germline. Affected: yes.
Comment: The variant is observed at an extremely low frequency in the gnomAD v4.1.0 dataset (total allele frequency: <0.001%). Predicted Consequence/Location: Missense variant. The majority of the known disease-causing variants of this gene are variants expected to result in premature termination of the protein. In silico tool predictions suggest damaging effect of the variant on gene or gene product [REVEL: 0.89 (>=0.6, sensitivity 0.68 and specificity 0.92)]. The variant has been reported as of uncertain significance (ClinVar ID: VCV000970765). Therefore, this variant is classified as VUS according to the recommendation of ACMG/AMP guideline.

Labcorp Genetics (formerly Invitae), Labcorp
Classification: Uncertain significance for Lysinuric protein intolerance. Last evaluated: 2025-03-29. Review status: criteria provided, single submitter. Criteria: Invitae Variant Classification Sherloc (09022015). Collection method: clinical testing. Allele origin: germline.
Comment: This sequence change replaces alanine, which is neutral and non-polar, with glutamic acid, which is acidic and polar, at codon 91 of the SLC7A7 protein (p.Ala91Glu). This variant is present in population databases (no rsID available, gnomAD 0.0009%). This variant has not been reported in the literature in individuals affected with SLC7A7-related conditions. ClinVar contains an entry for this variant (Variation ID: 970765). An algorithm developed to predict the effect of missense changes on protein structure and function (PolyPhen-2) suggests that this variant is likely to be disruptive. In summary, the available evidence is currently insufficient to determine the role of this variant in disease. Therefore, it has been classified as a Variant of Uncertain Significance.

Natera, Inc.
Classification: Uncertain significance for Lysinuric protein intolerance. Last evaluated: 2020-03-11. Review status: no assertion criteria provided. Collection method: clinical testing. Allele origin: germline. Not counted in ClinVar's aggregate classification.